The following is an entry in ClinVar:

ClinVar aggregate classification (germline): Uncertain significance. Review status: criteria provided, multiple submitters, no conflicts (2 of 4 stars). 6 submissions from 4 submitters: Uncertain significance (6). Last evaluated 2026-08-04.

Conditions:
MYO7A-related disorder. Also called: MYO7A-related disorders.
Usher syndrome type 1 (USH1). Also called: RETINITIS PIGMENTOSA AND CONGENITAL DEAFNESS. Identifiers: Orphanet 231169, Orphanet 886, MedGen C1568247, MONDO:0010168, OMIM 276900.
Autosomal dominant nonsyndromic hearing loss 11. Identifiers: Orphanet 90635, MedGen C1832475, MONDO:0011032, OMIM 601317.
Autosomal recessive nonsyndromic hearing loss 2. Also called: DEAFNESS, AUTOSOMAL RECESSIVE 2; NEUROSENSORY NONSYNDROMIC RECESSIVE DEAFNESS 2. Identifiers: Orphanet 90636, MedGen C1838701, MONDO:0010807, OMIM 600060.

Allele frequency attached by ClinVar (database versions not stated): gnomAD 0.00001; TOPMed 0.00002; ExAC 0.00005.
gnomAD v4.1: 11 of 1,568,978 alleles (0.0007%); highest among the groups gnomAD compares: Admixed American, 0.0037%; no homozygotes.

Submissions (6):

PreventionGenetics, part of Exact Sciences
Classification: Uncertain significance for MYO7A-related condition. Last evaluated: 2026-08-04. Review status: criteria provided, single submitter. Criteria: ACMG Guidelines, 2015. Collection method: clinical testing. Allele origin: germline.
Comment: The MYO7A c.3664G>A variant is predicted to result in the amino acid substitution p.Gly1222Ser. To our knowledge, this variant has not been reported in the literature. This variant is reported in 0.0054% of alleles in individuals of African descent in gnomAD. At this time, the clinical significance of this variant is uncertain due to the absence of conclusive functional and genetic evidence.

Labcorp Genetics (formerly Invitae), Labcorp
Classification: Uncertain significance. Last evaluated: 2025-10-21. Review status: criteria provided, single submitter. Criteria: Invitae Variant Classification Sherloc (09022015). Collection method: clinical testing. Allele origin: germline.
Comment: This sequence change replaces glycine, which is neutral and non-polar, with serine, which is neutral and polar, at codon 1222 of the MYO7A protein (p.Gly1222Ser). The frequency data for this variant in the population databases is considered unreliable, as metrics indicate poor data quality at this position in the gnomAD database. This variant has not been reported in the literature in individuals affected with MYO7A-related conditions. ClinVar contains an entry for this variant (Variation ID: 1209629). Invitae Evidence Modeling of protein sequence and biophysical properties (such as structural, functional, and spatial information, amino acid conservation, physicochemical variation, residue mobility, and thermodynamic stability) indicates that this missense variant is not expected to disrupt MYO7A protein function with a negative predictive value of 95%. In summary, the available evidence is currently insufficient to determine the role of this variant in disease. Therefore, it has been classified as a Variant of Uncertain Significance.

GeneDx
Classification: Uncertain significance. Last evaluated: 2021-10-19. Review status: criteria provided, single submitter. Criteria: GeneDx Variant Classification Process June 2021. Collection method: clinical testing. Allele origin: germline. Affected: yes.
Comment: Not observed at significant frequency in large population cohorts (Lek et al., 2016); In silico analysis supports that this missense variant has a deleterious effect on protein structure/function; Has not been previously published as pathogenic or benign to our knowledge

Genome-Nilou Lab
Classification: Uncertain significance for Autosomal dominant nonsyndromic hearing loss 11. Last evaluated: 2021-07-14. Review status: criteria provided, single submitter. Criteria: ACMG Guidelines, 2015. Collection method: clinical testing. Allele origin: germline. Affected: no.

Genome-Nilou Lab
Classification: Uncertain significance for Autosomal recessive nonsyndromic hearing loss 2. Last evaluated: 2021-07-14. Review status: criteria provided, single submitter. Criteria: ACMG Guidelines, 2015. Collection method: clinical testing. Allele origin: germline. Affected: no.

Genome-Nilou Lab
Classification: Uncertain significance for Usher syndrome type 1. Last evaluated: 2021-07-14. Review status: criteria provided, single submitter. Criteria: ACMG Guidelines, 2015. Collection method: clinical testing. Allele origin: germline. Affected: no.

NM_000260.4(MYO7A):c.3664G>A (p.Gly1222Ser)

Gene: MYO7A (myosin VIIA; plus strand). Cytogenetic location: 11q13.5.
Variant type: single nucleotide variant.
Coding change: c.3664G>A on transcript NM_000260.4 (MANE Select); coding-DNA position 3664, G replaced by A.
Protein change: p.Gly1222Ser; replaces glycine 1222 with serine.
Molecular consequence: missense variant.
Genome position (GRCh38, 1-based): chr11:77,190,053, G>A. VCF-style: chr11-77190053-G-A. GRCh37 (hg19) VCF-style: chr11-76901098-G-A.
Other names: c.3664G>A (NM_000260.3); c.3664G>A, p.Gly1222Ser (NM_001127180.2); c.3631G>A, p.Gly1211Ser (NM_001369365.1); short protein forms G1211S, G1222S.
Identifiers: ClinVar variation 1209629 (VCV001209629.9), dbSNP rs755771068, ClinGen allele CA6198164.
Genomic context (GRCh38, chr11:77,190,053, plus strand): 5'-CCGCCTCAGCGGGTACTCTGGCTGCAGTACCTGCGGAACTTCATCCACGGGGGCCCGCCC[G>A]GCTACGCCCCGTACTGTGAGGAGCGCCTGAGAAGGACCTTTGTCAATGGGACACGGACAC-3'
Protein context (NP_000251.3, residues 1212-1232): LRNFIHGGPP[Gly1222Ser]YAPYCEERLR